The following is an entry in ClinVar:

NM_001267550.2(TTN):c.102300del (p.Asp34101fs)

Genes: TTN-AS1 (TTN antisense RNA 1; plus strand), TTN (titin; minus strand). Cytogenetic location: 2q31.2.
Variant type: Deletion.
Coding change: c.102300del on transcript NM_001267550.2 (MANE Select); coding-DNA position 102300, one base deleted (A; older notation c.102300delA).
Protein change: p.Asp34101fs; shifts the reading frame from aspartic acid 34101.
Molecular consequence: frameshift variant.
Genome position (GRCh38, 1-based): chr2:178,534,315, T deleted on the plus strand (A on the coding strand, the reverse complement: TTN is on the minus strand); the first of 3 consecutive T bases (chr2:178,534,315-178,534,317); deleting any one gives the same sequence. VCF-style (leftmost placement, unchanged base first): chr2-178534314-CT-C. GRCh37 (hg19) VCF-style: chr2-179399041-CT-C.
Other names: c.97377del, p.Asp32460fs (NM_001256850.1); c.75105del, p.Asp25036fs (NM_003319.4); c.94596del, p.Asp31533fs (NM_133378.4); c.75480del, p.Asp25161fs (NM_133432.3); c.75681del, p.Asp25228fs (NM_133437.4); short protein forms D25036fs, D25161fs, D25228fs, D31533fs, D32460fs, D34101fs.
Identifiers: ClinVar variation 1066092 (VCV001066092.9), dbSNP rs2154135804, ClinGen allele CA2499215284.

ClinVar aggregate classification (germline): Likely pathogenic (1 of 4 stars; one submission).

Conditions:
Dilated cardiomyopathy 1G (CMD1G). Identifiers: Orphanet 154, MedGen C1858763, MONDO:0011400, OMIM 604145.
Autosomal recessive limb-girdle muscular dystrophy type 2J (LGMDR10). Also called: Limb-girdle muscular dystrophy, type 2J; MUSCULAR DYSTROPHY, LIMB-GIRDLE, AUTOSOMAL RECESSIVE 10. Identifiers: Orphanet 140922, MedGen C1837342, MONDO:0012127, OMIM 608807.

Submission:

Labcorp Genetics (formerly Invitae), Labcorp
Classification: Likely pathogenic for Dilated cardiomyopathy 1G; Autosomal recessive limb-girdle muscular dystrophy type 2J. Last evaluated: 2023-12-06. Review status: criteria provided, single submitter. Criteria: Invitae Variant Classification Sherloc (09022015). Collection method: clinical testing. Allele origin: germline.
Comment: This sequence change creates a premature translational stop signal (p.Asp34101Thrfs*23) in the TTN gene. While this is not anticipated to result in nonsense mediated decay, it is expected to create a truncated TTN protein. This variant is not present in population databases (gnomAD no frequency). This variant has not been reported in the literature in individuals affected with TTN-related conditions. ClinVar contains an entry for this variant (Variation ID: 1066092). This variant is located in the M band of TTN (PMID: 25589632). Truncating variants in this region have been previously reported in individuals affected with autosomal recessive myopathy and muscular dystrophy (PMID: 18948003, 23975875, 24395473). Truncating variants in this region have also been identified in individuals affected with autosomal dominant dilated cardiomyopathy and/or cardio-related conditions (PMID: 27869827, 32964742). In summary, the currently available evidence indicates that the variant is pathogenic, but additional data are needed to prove that conclusively. Therefore, this variant has been classified as Likely Pathogenic.

Literature cited by the submitters: PubMed 25589632; PubMed 18948003; PubMed 23975875; PubMed 24395473; PubMed 27869827; PubMed 32964742.